The following is an entry in ClinVar:

ClinVar aggregate classification (germline): Likely pathogenic. Review status: criteria provided, multiple submitters, no conflicts (2 of 4 stars). 2 submissions from 2 submitters: Likely pathogenic (2). Last evaluated 2022-05-10.

Conditions:
ISPD-related disorder.

Allele frequency attached by ClinVar (database versions not stated): gnomAD exomes 0.00001; TOPMed 0.00001; ExAC 0.00002; ESP Exome Variant Server 0.00008.
gnomAD v4.1: 8 of 1,613,232 alleles (0.0005%); highest among the groups gnomAD compares: East Asian, 0.0022%; no homozygotes.

Submissions (2):

Blueprint Genetics
Classification: Likely pathogenic for ISPD-related disorders. Last evaluated: 2022-05-10. Review status: criteria provided, single submitter. Criteria: ACMG Guidelines, 2015. Collection method: clinical testing. Allele origin: germline. Affected: yes. Observed: 3 variant alleles.

GeneDx
Classification: Likely pathogenic. Last evaluated: 2017-03-16. Review status: criteria provided, single submitter. Criteria: GeneDx Variant Classification (06012015). Collection method: clinical testing. Allele origin: germline. Affected: yes.
Comment: A variant that is likely pathogenic has also been identified in the ISPD gene. The R205C variant has not been published as a pathogenic variant, nor has it been reported as a benign variant to our knowledge. However, a different variant at the same position (R205H) has been reported previously in an individual with Walker-Warburg syndrome who had a deletion on the opposite ISPD allele (Czeschik et al., 2013). The R205C variant is not observed at a significant frequency in large population cohorts (Lek et al., 2016; 1000 Genomes Consortium et al., 2015; Exome Variant Server). The R205C variant is a non-conservative amino acid substitution, which is likely to impact secondary protein structure as these residues differ in polarity, charge, size and/or other properties. This substitution occurs at a position that is conserved across species, and in silico analysis predicts this variant is probably damaging to the protein structure/function. Therefore, this variant is likely pathogenic; however, the possibility that it is benign cannot be excluded.

NM_001101426.4(CRPPA):c.613C>T (p.Arg205Cys)

Gene: CRPPA (CDP-L-ribitol pyrophosphorylase A; minus strand). Cytogenetic location: 7p21.2.
Variant type: single nucleotide variant.
Coding change: c.613C>T on transcript NM_001101426.4 (MANE Select); coding-DNA position 613, C replaced by T.
Protein change: p.Arg205Cys; replaces arginine 205 with cysteine.
Molecular consequence: missense variant. On other transcripts: non-coding transcript variant (1), intron variant (1).
Genome position (GRCh38, 1-based): chr7:16,376,163, G>A on the plus strand (C>T on the coding strand, the complement: CRPPA is on the minus strand). VCF-style: chr7-16376163-G-A. GRCh37 (hg19) VCF-style: chr7-16415788-G-A.
Other names: c.613C>T, p.Arg205Cys (NM_001368197.1); c.534+29898C>T (NM_001101417.4); short protein forms R205C.
Identifiers: ClinVar variation 424305 (VCV000424305.3), dbSNP rs376411072, ClinGen allele CA4169557.